The following is an entry in ClinVar:

NM_058216.3(RAD51C):c.114C>G (p.Leu38=)

Gene: RAD51C (RAD51 paralog C; plus strand). Cytogenetic location: 17q22.
Variant type: single nucleotide variant.
Coding change: c.114C>G on transcript NM_058216.3 (MANE Select); coding-DNA position 114, C replaced by G.
Protein change: p.Leu38=; no amino-acid change (leucine 38 retained).
Molecular consequence: synonymous variant. On other transcripts: non-coding transcript variant (1).
Genome position (GRCh38, 1-based): chr17:58,692,757, C>G. VCF-style: chr17-58692757-C-G. GRCh37 (hg19) VCF-style: chr17-56770118-C-G.
Other names: c.114C>G, p.Leu38= (NM_002876.4, NM_058217.1).
Identifiers: ClinVar variation 2774189 (VCV002774189.3), dbSNP rs786202265, ClinGen allele CA501074385.
Genomic context (GRCh38, chr17:58,692,757, plus strand): 5'-GCTGTCTCCAGCGGTGCGGGTGAAGCTGGTGTCTGCGGGGTTCCAGACTGCTGAGGAACT[C>G]CTAGAGGTGAAACCCTCCGAGCTTAGCAAAGGTAACGACTCCTGATGGCAAGCTGAGGCA-3'
Protein context (NP_478123.1, residues 28-48): VSAGFQTAEE[Leu38=]LEVKPSELSK

ClinVar aggregate classification (germline): Benign/Likely benign. Review status: criteria provided, multiple submitters, no conflicts (2 of 4 stars). 2 submissions from 2 submitters: Benign (1); Likely benign (1). Last evaluated 2025-02-14.

Conditions:
Hereditary cancer-predisposing syndrome. Also called: Hereditary neoplastic syndrome; Hereditary Cancer Syndrome; Neoplastic Syndromes, Hereditary; Tumor predisposition. Identifiers: Orphanet 140162, MedGen C0027672, MeSH D009386, MONDO:0015356.
Breast-ovarian cancer, familial, susceptibility to, 3. Also called: RAD51C-Related Breast/Ovarian Cancer. Identifiers: Orphanet 145, MedGen C3150659, MONDO:0013253, OMIM 613399.

Submissions (2):

Myriad Genetics, Inc.
Classification: Benign for Breast-ovarian cancer, familial, susceptibility to, 3. Last evaluated: 2025-02-14. Review status: criteria provided, single submitter. Criteria: Myriad Autosomal Dominant, Autosomal Recessive and X-Linked Classification Criteria (2023). Collection method: clinical testing. Allele origin: unknown.
Comment: This variant is considered benign. This variant is a silent/synonymous amino acid change and it is not expected to impact splicing.

Color Diagnostics, LLC DBA Color Health
Classification: Likely benign for Hereditary cancer-predisposing syndrome. Last evaluated: 2022-03-02. Review status: criteria provided, single submitter. Criteria: ACMG Guidelines, 2015. Collection method: clinical testing. Allele origin: germline.